The following is an entry in ClinVar:

ClinVar aggregate classification (germline): Benign. Review status: criteria provided, multiple submitters, no conflicts (2 of 4 stars). 2 submissions from 2 submitters: Benign (2). Last evaluated 2018-06-18.

Allele frequency attached by ClinVar (database versions not stated): gnomAD exomes 0.00301; gnomAD 0.03311 and 0.03565; 1000 Genomes Project 0.03534; TOPMed 0.03794; 1000 Genomes Project 30x 0.03795.

Submissions (2):

GeneDx
Classification: Benign. Last evaluated: 2018-06-18. Review status: criteria provided, single submitter. Criteria: GeneDx Variant Classification (06012015). Collection method: clinical testing. Allele origin: germline. Affected: yes.
Comment: This variant is considered likely benign or benign based on one or more of the following criteria: it is a conservative change, it occurs at a poorly conserved position in the protein, it is predicted to be benign by multiple in silico algorithms, and/or has population frequency not consistent with disease.

Breakthrough Genomics
Classification: Benign. Review status: criteria provided, single submitter. Criteria: ACMG Guidelines, 2015. Collection method: not provided. Allele origin: germline. Inheritance: Autosomal dominant inheritance. Affected: yes.

NM_002691.4(POLD1):c.202+72G>A

Gene: POLD1 (DNA polymerase delta 1, catalytic subunit; plus strand). Cytogenetic location: 19q13.33.
Variant type: single nucleotide variant.
Coding change: c.202+72G>A on transcript NM_002691.4 (MANE Select); 72 bases into the intron after coding-DNA position 202, G replaced by A.
Molecular consequence: intron variant.
Genome position (GRCh38, 1-based): chr19:50,399,125, G>A. VCF-style: chr19-50399125-G-A. GRCh37 (hg19) VCF-style: chr19-50902382-G-A.
Other names: c.202+72G>A (NM_001256849.1, NM_001308632.1).
Identifiers: ClinVar variation 676795 (VCV000676795.2), dbSNP rs1673025, ClinGen allele CA309597968.